The following is an entry in ClinVar:

NM_000179.3(MSH6):c.4003G>T (p.Glu1335Ter)

Gene: MSH6 (mutS homolog 6; plus strand). Cytogenetic location: 2p16.3.
Variant type: single nucleotide variant.
Coding change: c.4003G>T on transcript NM_000179.3 (MANE Select); coding-DNA position 4003, G replaced by T.
Protein change: p.Glu1335Ter; replaces glutamic acid 1335 with a stop codon.
Molecular consequence: nonsense. On other transcripts: missense variant (1).
Genome position (GRCh38, 1-based): chr2:47,806,780, G>T. VCF-style: chr2-47806780-G-T. GRCh37 (hg19) VCF-style: chr2-48033919-G-T.
Other names: c.3613G>T, p.Glu1205Ter (NM_001281492.2); c.3097G>T, p.Glu1033Ter (NM_001281493.2, NM_001281494.2, NM_001406811.1 and 6 more transcripts); c.4099G>T, p.Glu1367Ter (NM_001406795.1); c.4003G>T, p.Glu1335Ter (NM_001406796.1, NM_001406809.1); c.3706G>T, p.Glu1236Ter (NM_001406797.1, NM_001406805.1, NM_001406818.1 and 8 more transcripts); c.3829G>T, p.Glu1277Ter (NM_001406798.1); c.3478G>T, p.Glu1160Ter (NM_001406799.1, NM_001406806.1, NM_001406807.1); c.*24G>T (NM_001406800.1); and 9 more; short protein forms E1205*, E1277*, E1309*, E1033*, E1160*, E1279*, E1335*, E650*.
Identifiers: ClinVar variation 2121244 (VCV002121244.6), dbSNP rs1572749872, ClinGen allele CA346761623.

ClinVar aggregate classification (germline): Uncertain significance. Review status: criteria provided, multiple submitters, no conflicts (2 of 4 stars). 2 submissions from 2 submitters: Uncertain significance (2). Last evaluated 2023-03-30.

Conditions:
Hereditary cancer-predisposing syndrome. Also called: Hereditary Cancer Syndrome; Tumor predisposition; Neoplastic Syndromes, Hereditary; Hereditary neoplastic syndrome. Identifiers: Orphanet 140162, MedGen C0027672, MeSH D009386, MONDO:0015356.
Hereditary nonpolyposis colorectal neoplasms. Identifiers: MedGen C0009405, MeSH D003123.

Submissions (2):

Ambry Genetics
Classification: Uncertain significance for Hereditary cancer-predisposing syndrome. Last evaluated: 2023-03-30. Review status: criteria provided, single submitter. Criteria: Ambry Variant Classification Scheme 2023. Collection method: clinical testing. Allele origin: germline.
Comment: The p.E1335* variant (also known as c.4003G>T), located in coding exon 10 of the MSH6 gene, results from a G to T substitution at nucleotide position 4003. This changes the amino acid from a glutamic acid to a stop codon within coding exon 10. Premature stop codons are typically deleterious in nature, however, this stop codon occurs at the 3' terminus of MSH6, is not expected to trigger nonsense-mediated mRNA decay, and impacts only the last 25 amino acids of the protein. The exact functional impact of these removed amino acids is unknown at this time. Since supporting evidence is limited at this time, the clinical significance of this alteration remains unclear.

Labcorp Genetics (formerly Invitae), Labcorp
Classification: Uncertain significance for Hereditary nonpolyposis colorectal neoplasms. Last evaluated: 2022-12-17. Review status: criteria provided, single submitter. Criteria: Invitae Variant Classification Sherloc (09022015). Collection method: clinical testing. Allele origin: germline.
Comment: This sequence change creates a premature translational stop signal (p.Glu1335*) in the MSH6 gene. While this is not anticipated to result in nonsense mediated decay, it is expected to disrupt the last 26 amino acid(s) of the MSH6 protein. This variant is not present in population databases (gnomAD no frequency). This variant has not been reported in the literature in individuals affected with MSH6-related conditions. In summary, the available evidence is currently insufficient to determine the role of this variant in disease. Therefore, it has been classified as a Variant of Uncertain Significance.